The following is an entry in ClinVar:

ClinVar aggregate classification (germline): Conflicting classifications of pathogenicity. Review status: criteria provided, conflicting classifications (1 of 4 stars). 4 submissions from 4 submitters: Likely pathogenic (2); Uncertain significance (1). 1 of the submissions does not count toward it. Last evaluated 2022-09-19.

Conditions:
Deficiency of butyryl-CoA dehydrogenase (ACADSD). Also called: Short-Chain Acyl-CoA Dehydrogenase Deficiency; ACYL-CoA DEHYDROGENASE, SHORT-CHAIN, DEFICIENCY OF; ACADS DEFICIENCY; SCADH DEFICIENCY; SCAD DEFICIENCY, MILD; SCAD Deficiency. Identifiers: Orphanet 26792, MedGen C0342783, MONDO:0008722, OMIM 201470. Disease mechanism: May be benign.

Allele frequency attached by ClinVar (database versions not stated): ExAC 0.00006.
gnomAD v4.1: 15 of 1,592,078 alleles (0.00094%); highest among the groups gnomAD compares: Admixed American, 0.0017%; no homozygotes.

Submissions (4):

Labcorp Genetics (formerly Invitae), Labcorp
Classification: Uncertain significance for Deficiency of butyryl-CoA dehydrogenase. Last evaluated: 2022-09-19. Review status: criteria provided, single submitter. Criteria: Invitae Variant Classification Sherloc (09022015). Collection method: clinical testing. Allele origin: germline.
Comment: The frequency data for this variant in the population databases is considered unreliable, as metrics indicate poor data quality at this position in the gnomAD database. In summary, the available evidence is currently insufficient to determine the role of this variant in disease. Therefore, it has been classified as a Variant of Uncertain Significance. Algorithms developed to predict the effect of missense changes on protein structure and function (SIFT, PolyPhen-2, Align-GVGD) all suggest that this variant is likely to be disruptive. ClinVar contains an entry for this variant (Variation ID: 432099). This variant has not been reported in the literature in individuals affected with ACADS-related conditions. This sequence change replaces alanine, which is neutral and non-polar, with threonine, which is neutral and polar, at codon 110 of the ACADS protein (p.Ala110Thr).

Genome-Nilou Lab
Classification: Likely pathogenic for Deficiency of butyryl-CoA dehydrogenase. Last evaluated: 2021-11-07. Review status: criteria provided, single submitter. Criteria: ACMG Guidelines, 2015. Collection method: clinical testing. Allele origin: germline. Affected: no.

GeneDx
Classification: Likely pathogenic. Last evaluated: 2016-03-04. Review status: criteria provided, single submitter. Criteria: GeneDx Variant Classification (06012015). Collection method: clinical testing. Allele origin: germline. Affected: yes.
Comment: The A110T variant has been reported in symptomatic patients without further details given (Gregersen et al., 2008). The A110T variant is a non-conservative amino acid substitution, which is likely to impact secondary protein structure as these residues differ in polarity, charge, size and/or other properties. This substitution occurs at a position that is conserved across species. In silico analysis predicts this variant is probably damaging to the protein structure/function. Missense variants in nearby residues (I105N, R107C, R107G, R107H, G108D and S111F) have been reported in the Human Gene Mutation Database in association with SCAD deficiency (Stenson et al., 2014), supporting the functional importance of this region of the protein. Therefore, this variant is likely pathogenic; however, the possibility that it is benign cannot be excluded.

Counsyl
Classification: Uncertain significance for Deficiency of butyryl-CoA dehydrogenase. Last evaluated: 2017-12-07. Review status: no assertion criteria provided. Collection method: clinical testing. Allele origin: unknown. Not counted in ClinVar's aggregate classification.

Literature cited by the submitters: PubMed 18836889 (cited by Counsyl).

NM_000017.4(ACADS):c.328G>A (p.Ala110Thr)

Gene: ACADS (acyl-CoA dehydrogenase short chain; plus strand). Cytogenetic location: 12q24.31.
Variant type: single nucleotide variant.
Coding change: c.328G>A on transcript NM_000017.4 (MANE Select); coding-DNA position 328, G replaced by A.
Protein change: p.Ala110Thr; replaces alanine 110 with threonine.
Molecular consequence: missense variant.
Genome position (GRCh38, 1-based): chr12:120,737,103, G>A. VCF-style: chr12-120737103-G-A. GRCh37 (hg19) VCF-style: chr12-121174906-G-A.
Other names: c.328G>A, p.Ala110Thr (NM_001302554.2); short protein forms A110T.
Identifiers: ClinVar variation 432099 (VCV000432099.17), dbSNP rs780571371, ClinGen allele CA6830827.